The following is an entry in ClinVar:

NM_000355.4(TCN2):c.230A>G (p.Lys77Arg)

Gene: TCN2 (transcobalamin 2; plus strand). Cytogenetic location: 22q12.2.
Variant type: single nucleotide variant.
Coding change: c.230A>G on transcript NM_000355.4 (MANE Select); coding-DNA position 230, A replaced by G.
Protein change: p.Lys77Arg; replaces lysine 77 with arginine.
Molecular consequence: missense variant.
Genome position (GRCh38, 1-based): chr22:30,611,036, A>G. VCF-style: chr22-30611036-A-G. GRCh37 (hg19) VCF-style: chr22-31007023-A-G.
Other names: c.230A>G, p.Lys77Arg (NM_001184726.2); short protein forms K77R.
Identifiers: ClinVar variation 1356852 (VCV001356852.5), dbSNP rs75680863, ClinGen allele CA411206449.

ClinVar aggregate classification (germline): Uncertain significance (1 of 4 stars; one submission).

Conditions:
Transcobalamin II deficiency (TCN2D). Also called: Transcolabamin II deficiency; TC II DEFICIENCY; TCN2 DEFICIENCY. Identifiers: Orphanet 859, MedGen C0342701, MONDO:0010149, OMIM 275350.

gnomAD v4.1: 2 of 1,613,958 alleles (0.00012%); highest among the groups gnomAD compares: African/African-American, 0.0027%; no homozygotes.

Submission:

Labcorp Genetics (formerly Invitae), Labcorp
Classification: Uncertain significance for Transcobalamin II deficiency. Last evaluated: 2021-09-24. Review status: criteria provided, single submitter. Criteria: Invitae Variant Classification Sherloc (09022015). Collection method: clinical testing. Allele origin: germline.
Comment: This sequence change replaces lysine with arginine at codon 77 of the TCN2 protein (p.Lys77Arg). The lysine residue is highly conserved and there is a small physicochemical difference between lysine and arginine. This variant is not present in population databases (ExAC no frequency). This variant has not been reported in the literature in individuals with TCN2-related conditions. Algorithms developed to predict the effect of missense changes on protein structure and function are either unavailable or do not agree on the potential impact of this missense change (SIFT: "Tolerated"; PolyPhen-2: "Possibly Damaging"; Align-GVGD: "Class C0"). In summary, the available evidence is currently insufficient to determine the role of this variant in disease. Therefore, it has been classified as a Variant of Uncertain Significance.